The following is an entry in ClinVar:

ClinVar aggregate classification (germline): Uncertain significance (1 of 4 stars; one submission).

Conditions:
Epileptic encephalopathy. Identifiers: MedGen C0543888, HP:0200134.

Submission:

Labcorp Genetics (formerly Invitae), Labcorp
Classification: Uncertain significance for Epileptic encephalopathy. Last evaluated: 2023-12-07. Review status: criteria provided, single submitter. Criteria: Invitae Variant Classification Sherloc (09022015). Collection method: clinical testing. Allele origin: germline.
Comment: This sequence change creates a premature translational stop signal (p.Arg1105Alafs*26) in the FASN gene. It is expected to result in an absent or disrupted protein product. However, the current clinical and genetic evidence is not sufficient to establish whether loss-of-function variants in FASN cause disease. This variant is not present in population databases (gnomAD no frequency). This variant has not been reported in the literature in individuals affected with FASN-related conditions. ClinVar contains an entry for this variant (Variation ID: 953150). In summary, the available evidence is currently insufficient to determine the role of this variant in disease. Therefore, it has been classified as a Variant of Uncertain Significance.

NM_004104.5(FASN):c.3312dup (p.Arg1105fs)

Gene: FASN (fatty acid synthase; minus strand). Cytogenetic location: 17q25.3.
Variant type: Duplication.
Coding change: c.3312dup on transcript NM_004104.5 (MANE Select); coding-DNA position 3312, one base duplicated (G; older notation c.3312dupG).
Protein change: p.Arg1105fs; shifts the reading frame from arginine 1105.
Molecular consequence: frameshift variant.
Genome position (GRCh38, 1-based): chr17:82,087,165, C duplicated on the plus strand (G on the coding strand, the reverse complement: FASN is on the minus strand); the first of 2 consecutive C bases (chr17:82,087,165-82,087,166); duplicating either gives the same sequence. VCF-style (leftmost placement, unchanged base first): chr17-82087164-G-GC. GRCh37 (hg19) VCF-style: chr17-80045040-G-GC.
Other names: short protein forms R1105fs.
Identifiers: ClinVar variation 953150 (VCV000953150.7), dbSNP rs2034119402, ClinGen allele CA1139665935.